The following is an entry in ClinVar:

NM_014000.3(VCL):c.379G>A (p.Asp127Asn)

Gene: VCL (vinculin; plus strand). Cytogenetic location: 10q22.2.
Variant type: single nucleotide variant.
Coding change: c.379G>A on transcript NM_014000.3 (MANE Select); coding-DNA position 379, G replaced by A.
Protein change: p.Asp127Asn; replaces aspartic acid 127 with asparagine.
Molecular consequence: missense variant.
Genome position (GRCh38, 1-based): chr10:74,070,809, G>A. VCF-style: chr10-74070809-G-A. GRCh37 (hg19) VCF-style: chr10-75830567-G-A.
Other names: c.379G>A, p.Asp127Asn (NM_003373.4); short protein forms D127N.
Identifiers: ClinVar variation 450840 (VCV000450840.5), dbSNP rs1554816666, ClinGen allele CA377266110.

ClinVar aggregate classification (germline): Uncertain significance. Review status: criteria provided, single submitter (1 of 4 stars). 4 submissions from 4 submitters: Uncertain significance (1). 3 of the submissions do not count toward it. Last evaluated 2017-07-31.

Allele frequency attached by ClinVar (database versions not stated): gnomAD exomes below 0.00001; TOPMed below 0.00001.
gnomAD v4.1: 3 of 1,614,056 alleles (0.00019%); highest among the groups gnomAD compares: Non-Finnish European, 0.00025%; no homozygotes.

Submissions (4):

GeneDx
Classification: Uncertain significance. Last evaluated: 2017-07-31. Review status: criteria provided, single submitter. Criteria: GeneDx Variant Classification (06012015). Collection method: clinical testing. Allele origin: germline. Affected: yes.
Comment: A variant of uncertain significance has been identified in the VCL gene. The D127N variant has not been published as pathogenic or been reported as benign to our knowledge. This variant is also not observed in large population cohorts (Lek et al., 2016; 1000 Genomes Consortium et al., 2015; Exome Variant Server). The D127N variant is a semi-conservative amino acid substitution, which may impact secondary protein structure as these residues differ in some properties. Additionally, this substitution occurs at a position that is conserved across species and in silico analysis predicts this variant is probably damaging to the protein structure/function. However, D127N lacks observation in a significant number of affected individuals, segregation studies, and functional evidence, all of which would further clarify its role in disease.

Clinical Genetics DNA and cytogenetics Diagnostics Lab, Erasmus MC, Erasmus Medical Center
Classification: Uncertain significance. Review status: no assertion criteria provided. Collection method: clinical testing. Allele origin: germline. Affected: yes. Study: VKGL Data-share Consensus. Not counted in ClinVar's aggregate classification.

Diagnostic Laboratory, Department of Genetics, University Medical Center Groningen
Classification: Uncertain significance. Review status: no assertion criteria provided. Collection method: clinical testing. Allele origin: germline. Affected: yes. Study: VKGL Data-share Consensus. Not counted in ClinVar's aggregate classification.

Genome Diagnostics Laboratory, University Medical Center Utrecht
Classification: Uncertain significance. Review status: no assertion criteria provided. Collection method: clinical testing. Allele origin: germline. Affected: yes. Study: VKGL Data-share Consensus. Not counted in ClinVar's aggregate classification.